The following is an entry in ClinVar:

ClinVar aggregate classification (germline): Uncertain significance (1 of 4 stars; one submission).

gnomAD v4.1: 8 of 1,562,804 alleles (0.00051%); highest among the groups gnomAD compares: Non-Finnish European, 0.00069%; no homozygotes.

Submission:

Women's Health and Genetics/Laboratory Corporation of America, LabCorp
Classification: Uncertain significance. Last evaluated: 2022-11-04. Review status: criteria provided, single submitter. Criteria: LabCorp Variant Classification Summary - May 2015. Collection method: clinical testing. Allele origin: germline.
Comment: Variant summary: PI4KA c.5462-8G>A alters a non-conserved nucleotide located close to a canonical splice site and therefore could affect mRNA splicing, leading to a significantly altered protein sequence. 4/4 computational tools predict no significant impact on normal splicing. However, these predictions have yet to be confirmed by functional studies. The variant allele was found at a frequency of 5.7e-06 in 175900 control chromosomes (gnomAD). The available data on variant occurrences in the general population are insufficient to allow any conclusion about variant significance. To our knowledge, no occurrence of c.5462-8G>A in individuals affected with PI4KA-Related Disorders and no experimental evidence demonstrating its impact on protein function have been reported. No clinical diagnostic laboratories have submitted clinical-significance assessments for this variant to ClinVar after 2014. Based on the evidence outlined above, the variant was classified as uncertain significance.

NM_058004.4(PI4KA):c.5462-8G>A

Gene: PI4KA (phosphatidylinositol 4-kinase alpha; minus strand). Cytogenetic location: 22q11.21.
Variant type: single nucleotide variant.
Coding change: c.5462-8G>A on transcript NM_058004.4 (MANE Select); 8 bases into the intron before coding-DNA position 5462, G replaced by A.
Molecular consequence: intron variant.
Genome position (GRCh38, 1-based): chr22:20,713,398, C>T on the plus strand (G>A on the coding strand, the complement: PI4KA is on the minus strand). VCF-style: chr22-20713398-C-T. GRCh37 (hg19) VCF-style: chr22-21067686-C-T.
Other names: c.5396-8G>A (NM_001362863.2); c.5369-8G>A (NM_001362862.2).
Identifiers: ClinVar variation 1804846 (VCV001804846.1), dbSNP rs772938803, ClinGen allele CA10114647.